The following is an entry in ClinVar:

NM_017636.4(TRPM4):c.1150G>C (p.Ala384Pro)

Gene: TRPM4 (transient receptor potential cation channel subfamily M member 4; plus strand). Cytogenetic location: 19q13.33.
Variant type: single nucleotide variant.
Coding change: c.1150G>C on transcript NM_017636.4 (MANE Select); coding-DNA position 1150, G replaced by C.
Protein change: p.Ala384Pro; replaces alanine 384 with proline.
Molecular consequence: missense variant. On other transcripts: 5 prime UTR variant (1), intron variant (1).
Genome position (GRCh38, 1-based): chr19:49,172,108, G>C. VCF-style: chr19-49172108-G-C. GRCh37 (hg19) VCF-style: chr19-49675365-G-C.
Other names: c.1150G>C, p.Ala384Pro (NM_001195227.2); c.805G>C, p.Ala269Pro (NM_001321281.2); c.-404G>C (NM_001321282.2); c.628G>C, p.Ala210Pro (NM_001321283.2); c.201+339G>C (NM_001321285.2); short protein forms A210P, A269P, A384P.
Identifiers: ClinVar variation 4532697 (VCV004532697.1).

ClinVar aggregate classification (germline): Uncertain significance (1 of 4 stars; one submission).

gnomAD v4.1: 23 of 1,611,124 alleles (0.0014%); highest among the groups gnomAD compares: South Asian, 0.024%; no homozygotes.

Submission:

GeneDx
Classification: Uncertain significance. Last evaluated: 2025-05-30. Review status: criteria provided, single submitter. Criteria: GeneDx Variant Classification Process June 2021. Collection method: clinical testing. Allele origin: germline. Affected: yes.
Comment: In silico analysis supports a deleterious effect on splicing; In silico analysis supports that this missense variant has a deleterious effect on protein structure/function; Has not been previously published as pathogenic or benign to our knowledge